The following is an entry in ClinVar:

NM_018834.6(MATR3):c.2171A>T (p.Asp724Val)

Gene: MATR3 (matrin 3; plus strand). Cytogenetic location: 5q31.2.
Variant type: single nucleotide variant.
Coding change: c.2171A>T on transcript NM_018834.6 (MANE Select); coding-DNA position 2171, A replaced by T.
Protein change: p.Asp724Val; replaces aspartic acid 724 with valine.
Molecular consequence: missense variant.
Genome position (GRCh38, 1-based): chr5:139,325,462, A>T. VCF-style: chr5-139325462-A-T. GRCh37 (hg19) VCF-style: chr5-138661151-A-T.
Other names: c.2171A>T, p.Asp724Val (NM_001194954.2, NM_001194955.2, NM_199189.3); c.1307A>T, p.Asp436Val (NM_001194956.2); c.1157A>T, p.Asp386Val (NM_001282278.2); short protein forms D386V, D436V, D724V.
Identifiers: ClinVar variation 1365186 (VCV001365186.8), dbSNP rs1235948155, ClinGen allele CA361146040.
Genomic context (GRCh38, chr5:139,325,462, plus strand): 5'-CTGGTGACAAAAATGATGATGGTTTGGTTGAAATTAAGGTGGACAAGATCGAGGAACTTG[A>T]TCAAGAAAACGAAGCAGCGTTGGAAAATGGAATTAAAAATGAGGAAAACACAGAACCAGG-3'
Protein context (NP_061322.2, residues 714-734): LKKVDKIEEL[Asp724Val]QENEAALENG

ClinVar aggregate classification (germline): Uncertain significance (1 of 4 stars; one submission).

Conditions:
Amyotrophic lateral sclerosis type 21. Also called: MYOPATHY, DISTAL, 2; VOCAL CORD AND PHARYNGEAL DYSFUNCTION WITH DISTAL MYOPATHY. Identifiers: Orphanet 600, Orphanet 803, MedGen C3807521, MONDO:0011632, OMIM 606070.

Allele frequency attached by ClinVar (database versions not stated): TOPMed below 0.00001.
gnomAD v4.1: 2 of 1,614,212 alleles (0.00012%); highest among the groups gnomAD compares: Non-Finnish European, 0.00017%; no homozygotes.

Submission:

Labcorp Genetics (formerly Invitae), Labcorp
Classification: Uncertain significance for Amyotrophic lateral sclerosis type 21. Last evaluated: 2025-04-15. Review status: criteria provided, single submitter. Criteria: Invitae Variant Classification Sherloc (09022015). Collection method: clinical testing. Allele origin: germline.
Comment: This sequence change replaces aspartic acid, which is acidic and polar, with valine, which is neutral and non-polar, at codon 724 of the MATR3 protein (p.Asp724Val). This variant is not present in population databases (gnomAD no frequency). This variant has not been reported in the literature in individuals affected with MATR3-related conditions. ClinVar contains an entry for this variant (Variation ID: 1365186). Invitae Evidence Modeling of protein sequence and biophysical properties (such as structural, functional, and spatial information, amino acid conservation, physicochemical variation, residue mobility, and thermodynamic stability) indicates that this missense variant is not expected to disrupt MATR3 protein function with a negative predictive value of 80%. In summary, the available evidence is currently insufficient to determine the role of this variant in disease. Therefore, it has been classified as a Variant of Uncertain Significance.